The following is an entry in ClinVar:

ClinVar aggregate classification (germline): Conflicting classifications of pathogenicity. Review status: criteria provided, conflicting classifications (1 of 4 stars). 8 submissions from 8 submitters: Uncertain significance (6); Benign (1); Likely benign (1). Last evaluated 2026-09-21.

Conditions:
Desmin-related myofibrillar myopathy (MFM1). Also called: Desminopathy; Desmin related myopathy (former name); Desmin storage myopathy (former name); MYOFIBRILLAR MYOPATHY WITH ARRHYTHMOGENIC RIGHT VENTRICULAR CARDIOMYOPATHY; DESMIN-RELATED MYOPATHY WITH ARRHYTHMOGENIC RIGHT VENTRICULAR CARDIOMYOPATHY; Myofibrillar myopathy 1. Identifiers: Orphanet 363543, Orphanet 98909, MedGen C1832370, MONDO:0011076, OMIM 601419.
Cardiovascular phenotype. Identifiers: MedGen CN230736.
Dilated cardiomyopathy 1I (CMD1I). Identifiers: Orphanet 154, MedGen C1858154, MONDO:0011482, OMIM 604765.
Neurogenic scapuloperoneal syndrome, Kaeser type (SCPNK). Also called: KAESER SYNDROME. Identifiers: Orphanet 85146, MedGen C1867005, MONDO:0008407, OMIM 181400.

Allele frequency attached by ClinVar (database versions not stated): TOPMed 0.00022; gnomAD exomes 0.00005; gnomAD 0.00021; ExAC 0.00004; 1000 Genomes Project 0.00020; 1000 Genomes Project 30x 0.00047.
gnomAD v4.1: 72 of 1,601,674 alleles (0.0045%); highest among the groups gnomAD compares: African/African-American, 0.084%; no homozygotes.

Submissions (8):

Molecular Diagnostic Laboratory for Inherited Cardiovascular Disease, Montreal Heart Institute
Classification: Benign. Last evaluated: 2026-09-21. Review status: criteria provided, single submitter. Criteria: ACMG Guidelines, 2015. Collection method: clinical testing. Allele origin: germline. Affected: no.
Comment: BS1, BS2

Labcorp Genetics (formerly Invitae), Labcorp
Classification: Uncertain significance for Desmin-related myofibrillar myopathy. Last evaluated: 2026-01-26. Review status: criteria provided, single submitter. Criteria: Invitae Variant Classification Sherloc (09022015). Collection method: clinical testing. Allele origin: germline.
Comment: This sequence change replaces valine, which is neutral and non-polar, with leucine, which is neutral and non-polar, at codon 56 of the DES protein (p.Val56Leu). This variant is present in population databases (rs578066781, gnomAD 0.08%). This variant has not been reported in the literature in individuals affected with DES-related conditions. ClinVar contains an entry for this variant (Variation ID: 201713). Invitae Evidence Modeling of protein sequence and biophysical properties (such as structural, functional, and spatial information, amino acid conservation, physicochemical variation, residue mobility, and thermodynamic stability) indicates that this missense variant is not expected to disrupt DES protein function with a negative predictive value of 80%. In summary, the available evidence is currently insufficient to determine the role of this variant in disease. Therefore, it has been classified as a Variant of Uncertain Significance.

Revvity Omics, Revvity
Classification: Uncertain significance. Last evaluated: 2025-06-20. Review status: criteria provided, single submitter. Criteria: ACMG Guidelines, 2015. Collection method: clinical testing. Allele origin: germline.

Ambry Genetics
Classification: Uncertain significance for Cardiovascular phenotype. Last evaluated: 2025-06-06. Review status: criteria provided, single submitter. Criteria: Ambry Variant Classification Scheme 2023. Collection method: clinical testing. Allele origin: germline.
Comment: The p.V56L variant (also known as c.166G>C), located in coding exon 1 of the DES gene, results from a G to C substitution at nucleotide position 166. The valine at codon 56 is replaced by leucine, an amino acid with highly similar properties. This variant has been reported in a control cohort (Mazzarotto F et al. Circulation, 2020 Feb;141:387-398). This amino acid position is well conserved in available vertebrate species. In addition, the in silico prediction for this alteration is inconclusive. Based on the available evidence, the clinical significance of this variant remains unclear.

Blueprint Genetics
Classification: Likely benign. Last evaluated: 2024-08-12. Review status: criteria provided, single submitter. Criteria: ACMG Guidelines, 2015. Collection method: clinical testing. Allele origin: germline.

Fulgent Genetics
Classification: Uncertain significance for Neurogenic scapuloperoneal syndrome, Kaeser type; Desmin-related myofibrillar myopathy; Dilated cardiomyopathy 1I. Last evaluated: 2021-08-20. Review status: criteria provided, single submitter. Criteria: ACMG Guidelines, 2015. Collection method: clinical testing. Allele origin: unknown.

GeneDx
Classification: Uncertain significance. Last evaluated: 2021-07-26. Review status: criteria provided, single submitter. Criteria: GeneDx Variant Classification Process June 2021. Collection method: clinical testing. Allele origin: germline. Affected: yes.
Comment: Has not been previously published as pathogenic or benign to our knowledge; In silico analysis supports that this missense variant does not alter protein structure/function; Reported in ClinVar as a variant of uncertain significance (ClinVar Variant ID# 201713; Landrum et al., 2016); This variant is associated with the following publications: (PMID: 26807690, 26582918)

Laboratory for Molecular Medicine, Mass General Brigham Personalized Medicine
Classification: Uncertain significance. Last evaluated: 2015-03-13. Review status: criteria provided, single submitter. Criteria: LMM Criteria. Collection method: clinical testing. Allele origin: germline. Observed: 1 variant allele.
Comment: The p.Val56Leu variant in DES has not been previously reported in individuals wi th cardiomyopathy, but has been identified in 0.06% (3/5166) of African chromoso mes by the Exome Aggregation Consortium (ExAC; d bSNP rs578066781). Computational prediction tools and conservation analyses do n ot provide strong support for or against an impact to the protein. In summary, t he clinical significance of the p.Val56Leu variant is uncertain.

Literature cited by the submitters: PubMed 31983221 (cited by Ambry Genetics).

NM_001927.4(DES):c.166G>C (p.Val56Leu)

Gene: DES (desmin; plus strand). Cytogenetic location: 2q35.
Variant type: single nucleotide variant.
Coding change: c.166G>C on transcript NM_001927.4 (MANE Select); coding-DNA position 166, G replaced by C.
Protein change: p.Val56Leu; replaces valine 56 with leucine.
Molecular consequence: missense variant.
Genome position (GRCh38, 1-based): chr2:219,418,628, G>C. VCF-style: chr2-219418628-G-C. GRCh37 (hg19) VCF-style: chr2-220283350-G-C.
Other names: p.V56L:GTG>CTG; short protein forms V56L.
Identifiers: ClinVar variation 201713 (VCV000201713.26), dbSNP rs578066781, ClinGen allele CA308293.